The following is an entry in ClinVar:

NM_002230.4(JUP):c.1498G>A (p.Ala500Thr)

Gene: JUP (junction plakoglobin; minus strand). Cytogenetic location: 17q21.2.
Variant type: single nucleotide variant.
Coding change: c.1498G>A on transcript NM_002230.4 (MANE Select); coding-DNA position 1498, G replaced by A.
Protein change: p.Ala500Thr; replaces alanine 500 with threonine.
Molecular consequence: missense variant.
Genome position (GRCh38, 1-based): chr17:41,758,870, C>T on the plus strand (G>A on the coding strand, the complement: JUP is on the minus strand). VCF-style: chr17-41758870-C-T. GRCh37 (hg19) VCF-style: chr17-39915122-C-T.
Other names: c.1498G>A, p.Ala500Thr (NM_001352773.2, NM_001352774.2, NM_001352775.2 and 3 more transcripts); short protein forms A500T.
Identifiers: ClinVar variation 2625418 (VCV002625418.2), dbSNP rs2143461477, ClinGen allele CA399494262.
Genomic context (GRCh38, chr17:41,758,870, plus strand): 5'-CCTGCAGCGGGGCATGGTTGGCTGGGCACAGGGCCAGATTCCTGATCAAGCCGATGGTTG[C>T]CTGGCAAAAAAAGGGGCAGTGATCAGGGGCACTTCTTGGACATCTGAAGGATCCCAGCTT-3'
Protein context (NP_002221.1, residues 490-510): NQPNQWPLVK[Ala500Thr]TIGLIRNLAL

ClinVar aggregate classification (germline): Uncertain significance (1 of 4 stars; one submission).

Conditions:
Cardiovascular phenotype. Identifiers: MedGen CN230736.

Submission:

Ambry Genetics
Classification: Uncertain significance for Cardiovascular phenotype. Last evaluated: 2023-07-18. Review status: criteria provided, single submitter. Criteria: Ambry Variant Classification Scheme 2023. Collection method: clinical testing. Allele origin: germline.
Comment: The p.A500T variant (also known as c.1498G>A) is located in coding exon 8 of the JUP gene. The alanine at codon 500 is replaced by threonine, an amino acid with similar properties. This change occurs in the first base pair of coding exon 8. This amino acid position is conserved. In addition, the in silico prediction for this alteration is inconclusive. Since supporting evidence is limited at this time, the clinical significance of this alteration remains unclear.